The following is an entry in ClinVar:

NM_004415.4(DSP):c.3673T>C (p.Ser1225Pro)

Gene: DSP (desmoplakin; plus strand). Cytogenetic location: 6p24.3.
Variant type: single nucleotide variant.
Coding change: c.3673T>C on transcript NM_004415.4 (MANE Select); coding-DNA position 3673, T replaced by C.
Protein change: p.Ser1225Pro; replaces serine 1225 with proline.
Molecular consequence: missense variant. On other transcripts: intron variant (1).
Genome position (GRCh38, 1-based): chr6:7,579,863, T>C. VCF-style: chr6-7579863-T-C. GRCh37 (hg19) VCF-style: chr6-7580096-T-C.
Other names: c.3673T>C, p.Ser1225Pro (NM_001319034.2); c.3582+91T>C (NM_001008844.3); short protein forms S1225P.
Identifiers: ClinVar variation 3073866 (VCV003073866.1), dbSNP rs1298145133, ClinGen allele CA362684599.
Genomic context (GRCh38, chr6:7,579,863, plus strand): 5'-AATTTAAGGAACAAGTATGAAACAGAGATTAACATTACGAAGACCACCATCAAGGAGATA[T>C]CCATGCAAAAAGAGGATGATTCCAAAAATCTTAGAAACCAGCTTGATAGACTTTCAAGGG-3'
Protein context (NP_004406.2, residues 1215-1235): NITKTTIKEI[Ser1225Pro]MQKEDDSKNL

ClinVar aggregate classification (germline): Uncertain significance (1 of 4 stars; one submission).

Conditions:
Arrhythmogenic cardiomyopathy with wooly hair and keratoderma. Also called: PALMOPLANTAR KERATODERMA WITH LEFT VENTRICULAR CARDIOMYOPATHY AND WOOLLY HAIR; Carvajal syndrome; Dilated cardiomyopathy with woolly hair and keratoderma; Arrhythmogenic cardiomyopathy with woolly hair and keratoderma. Identifiers: Orphanet 65282, MedGen C1854063, MONDO:0011581, OMIM 605676.

Allele frequency attached by ClinVar (database versions not stated): TOPMed below 0.00001.

Submission:

All of Us Research Program, National Institutes of Health
Classification: Uncertain significance for Arrhythmogenic cardiomyopathy with wooly hair and keratoderma. Last evaluated: 2023-11-30. Review status: criteria provided, single submitter. Criteria: ACMG Guidelines, 2015. Collection method: clinical testing. Allele origin: germline. Inheritance: Autosomal dominant inheritance. Observed: 1 variant allele, 1 heterozygote.
Comment: This study involves interpretation of variants in research participants for the purpose of population health screening. Participant phenotype was not available at the time of variant classification. Additional details can be found in publication PMID: 35346344, PMCID: PMC8962531